The following is an entry in ClinVar:

ClinVar aggregate classification (germline): Likely pathogenic. Review status: criteria provided, multiple submitters, no conflicts (2 of 4 stars). 2 submissions from 2 submitters: Likely pathogenic (2). Last evaluated 2024-04-09.

Submissions (2):

Labcorp Genetics (formerly Invitae), Labcorp
Classification: Likely pathogenic. Last evaluated: 2024-04-09. Review status: criteria provided, single submitter. Criteria: Invitae Variant Classification Sherloc (09022015). Collection method: clinical testing. Allele origin: germline.
Comment: This sequence change affects a splice site in intron 24 of the SPTB gene. It is expected to disrupt RNA splicing. Variants that disrupt the donor or acceptor splice site typically lead to a loss of protein function (PMID: 16199547), and loss-of-function variants in SPTB are known to be pathogenic (PMID: 1391962, 1498324, 8844207, 26830532, 27292444). This variant is not present in population databases (gnomAD no frequency). This variant has not been reported in the literature in individuals affected with SPTB-related conditions. Algorithms developed to predict the effect of sequence changes on RNA splicing suggest that this variant may disrupt the consensus splice site. In summary, the currently available evidence indicates that the variant is pathogenic, but additional data are needed to prove that conclusively. Therefore, this variant has been classified as Likely Pathogenic.

Mayo Clinic Laboratories, Mayo Clinic
Classification: Likely pathogenic. Last evaluated: 2024-04-02. Review status: criteria provided, single submitter. Criteria: ACMG Guidelines, 2015. Collection method: clinical testing. Allele origin: germline. Observed: 1 variant allele.
Comment: PM2_moderate, PVS1

Literature cited by the submitters: PubMed 16199547 (cited by Labcorp Genetics (formerly Invitae), Labcorp); PubMed 1391962 (cited by Labcorp Genetics (formerly Invitae), Labcorp); PubMed 1498324 (cited by Labcorp Genetics (formerly Invitae), Labcorp); PubMed 8844207 (cited by Labcorp Genetics (formerly Invitae), Labcorp); PubMed 26830532 (cited by Labcorp Genetics (formerly Invitae), Labcorp); PubMed 27292444 (cited by Labcorp Genetics (formerly Invitae), Labcorp).

NM_001355436.2(SPTB):c.5178+2_5178+3del

Gene: SPTB (spectrin beta, erythrocytic; minus strand). Cytogenetic location: 14q23.3.
Variant type: Microsatellite.
Coding change: c.5178+2_5178+3del on transcript NM_001355436.2 (MANE Select); the canonical splice donor site of the intron after coding-DNA position 5178 through 3 bases into the intron after coding-DNA position 5178, 2 bases deleted (TG; older notation c.5178+2_5178+3delTG).
Molecular consequence: splice donor variant.
Genome position (GRCh38, 1-based): chr14:64,773,217-64,773,218, CA deleted on the plus strand (TG on the coding strand, the reverse complement: SPTB is on the minus strand); deleting any 2 consecutive bases within chr14:64,773,217-64,773,220 gives the same sequence; the c. name uses the placement nearest the transcript's 3' end. VCF-style (leftmost placement, unchanged base first): chr14-64773216-TCA-T. GRCh37 (hg19) VCF-style: chr14-65239934-TCA-T.
Other names: p.?; c.5178+2_5178+3del (NM_001024858.4, NM_001355437.2).
Identifiers: ClinVar variation 3381111 (VCV003381111.3).
Genomic context (GRCh38, chr14:64,773,216, plus strand): 5'-TGACGGCTGGCTGCGTCTACCGCATTAGAGAAAGACAAAAACAGCAGGAGTTGTGGCTAC[TCA>T]CAGTCACGTGGTCAAAGTCTTGCCCCATTTCCGGGGAAGAGGCCACTAGCTCCTTTTCTG-3'